The following is an entry in ClinVar:

ClinVar aggregate classification (germline): Uncertain significance (1 of 4 stars; one submission).

Conditions:
Spermatogenic failure 18. Identifiers: MedGen C4539783, MONDO:0054615, OMIM 617576.
Ciliary dyskinesia, primary, 37 (CILD37). Also called: CILIARY DYSKINESIA, PRIMARY, 37, WITH OR WITHOUT SITUS INVERSUS. Identifiers: MedGen C4539798, MONDO:0033204, OMIM 617577.

Allele frequency attached by ClinVar (database versions not stated): ExAC 0.00005.
gnomAD v4.1: 4 of 1,552,056 alleles (0.00026%); highest among the groups gnomAD compares: South Asian, 0.0036%; no homozygotes.

Submission:

Labcorp Genetics (formerly Invitae), Labcorp
Classification: Uncertain significance for Ciliary dyskinesia, primary, 37; Spermatogenic failure 18. Last evaluated: 2022-03-12. Review status: criteria provided, single submitter. Criteria: Invitae Variant Classification Sherloc (09022015). Collection method: clinical testing. Allele origin: germline.
Comment: This sequence change replaces leucine, which is neutral and non-polar, with valine, which is neutral and non-polar, at codon 2839 of the DNAH1 protein (p.Leu2839Val). In summary, the available evidence is currently insufficient to determine the role of this variant in disease. Therefore, it has been classified as a Variant of Uncertain Significance. Algorithms developed to predict the effect of missense changes on protein structure and function are either unavailable or do not agree on the potential impact of this missense change (SIFT: "Deleterious"; PolyPhen-2: "Probably Damaging"; Align-GVGD: "Class C0"). This variant has not been reported in the literature in individuals affected with DNAH1-related conditions. This variant is present in population databases (rs781168960, gnomAD 0.01%).

NM_015512.5(DNAH1):c.8515C>G (p.Leu2839Val)

Gene: DNAH1 (dynein axonemal heavy chain 1; plus strand). Cytogenetic location: 3p21.1.
Variant type: single nucleotide variant.
Coding change: c.8515C>G on transcript NM_015512.5 (MANE Select); coding-DNA position 8515, C replaced by G.
Protein change: p.Leu2839Val; replaces leucine 2839 with valine.
Molecular consequence: missense variant.
Genome position (GRCh38, 1-based): chr3:52,385,337, C>G. VCF-style: chr3-52385337-C-G. GRCh37 (hg19) VCF-style: chr3-52419353-C-G.
Other names: short protein forms L2839V.
Identifiers: ClinVar variation 1971657 (VCV001971657.5), dbSNP rs781168960, ClinGen allele CA2435240.